The following is an entry in ClinVar:

ClinVar aggregate classification (germline): Uncertain significance (1 of 4 stars; one submission).

gnomAD v4.1: 7 of 1,613,964 alleles (0.00043%); highest among the groups gnomAD compares: African/African-American, 0.0067%; no homozygotes.

Submission:

Mayo Clinic Laboratories, Mayo Clinic
Classification: Uncertain significance. Last evaluated: 2024-02-12. Review status: criteria provided, single submitter. Criteria: ACMG Guidelines, 2015. Collection method: clinical testing. Allele origin: germline. Observed: 1 variant allele.
Comment: BP4

NM_015268.4(DNAJC13):c.1255G>A (p.Val419Ile)

Gene: DNAJC13 (DnaJ heat shock protein family (Hsp40) member C13; plus strand). Cytogenetic location: 3q22.1.
Variant type: single nucleotide variant.
Coding change: c.1255G>A on transcript NM_015268.4 (MANE Select); coding-DNA position 1255, G replaced by A.
Protein change: p.Val419Ile; replaces valine 419 with isoleucine.
Molecular consequence: missense variant.
Genome position (GRCh38, 1-based): chr3:132,456,738, G>A. VCF-style: chr3-132456738-G-A. GRCh37 (hg19) VCF-style: chr3-132175582-G-A.
Other names: p.Val419Ile; c.1255G>A, p.Val419Ile (NM_001329126.2); short protein forms V419I.
Identifiers: ClinVar variation 3379492 (VCV003379492.1).